The following is an entry in ClinVar:

NM_000062.3(SERPING1):c.615dup (p.Val206fs)

Gene: SERPING1 (serpin family G member 1; plus strand). Cytogenetic location: 11q12.1.
Variant type: Duplication.
Coding change: c.615dup on transcript NM_000062.3 (MANE Select); coding-DNA position 615, one base duplicated (T; older notation c.615dupT).
Protein change: p.Val206fs; shifts the reading frame from valine 206.
Molecular consequence: frameshift variant.
Genome position (GRCh38, 1-based): chr11:57,602,099, T duplicated. VCF-style (leftmost placement, unchanged base first): chr11-57602098-G-GT. GRCh37 (hg19) VCF-style: chr11-57369571-G-GT.
Other names: c.615dup, p.Val206fs (NM_001032295.2); c.615dupT (NM_000062.2); short protein forms V206fs.
Identifiers: ClinVar variation 559595 (VCV000559595.2), dbSNP rs1554995260, ClinGen allele CA658822719.

ClinVar aggregate classification (germline): Pathogenic (0 of 4 stars; one submission).

Conditions:
Hereditary angioedema type 1 (HAE1). Identifiers: Orphanet 100050, Orphanet 100051, Orphanet 91378, MedGen C2717906, MONDO:0015053, OMIM 106100.

Submission:

HUSP Clinical Genetics Laboratory, Hospital Universitario San Pedro De Logroño (HUSP)
Classification: Pathogenic for Hereditary angioedema type 1. Last evaluated: 2018-08-16. Review status: no assertion criteria provided. Collection method: clinical testing. Allele origin: germline. Inheritance: Autosomal dominant inheritance. Affected: yes. Observed: 2 heterozygotes. Clinical features observed: Angioedema (HP:0100665), Abdominal pain (HP:0002027).
Comment: The variant c.615dupT p.(Cya205fs) has been detected in heterozygosis in two brothers with clinical diagnosis of angioedema. This variant is absent from large population studies and predicts a frameshift mutation that results in a premature codon stop, leading to a truncated protein.